The following is an entry in ClinVar:

ClinVar aggregate classification (germline): Uncertain significance (1 of 4 stars; one submission).

Allele frequency attached by ClinVar (database versions not stated): ExAC 0.00002; gnomAD 0.00002; TOPMed 0.00002; gnomAD exomes 0.00003.
gnomAD v4.1: 40 of 1,614,128 alleles (0.0025%); highest among the groups gnomAD compares: Non-Finnish European, 0.0033%; no homozygotes.

Submission:

Labcorp Genetics (formerly Invitae), Labcorp
Classification: Uncertain significance. Last evaluated: 2023-07-07. Review status: criteria provided, single submitter. Criteria: Invitae Variant Classification Sherloc (09022015). Collection method: clinical testing. Allele origin: germline.
Comment: This sequence change replaces asparagine, which is neutral and polar, with serine, which is neutral and polar, at codon 129 of the ABHD5 protein (p.Asn129Ser). This variant is present in population databases (rs777375929, gnomAD 0.003%). This variant has not been reported in the literature in individuals affected with ABHD5-related conditions. ClinVar contains an entry for this variant (Variation ID: 1976322). Advanced modeling of protein sequence and biophysical properties (such as structural, functional, and spatial information, amino acid conservation, physicochemical variation, residue mobility, and thermodynamic stability) performed at Invitae indicates that this missense variant is not expected to disrupt ABHD5 protein function. In summary, the available evidence is currently insufficient to determine the role of this variant in disease. Therefore, it has been classified as a Variant of Uncertain Significance.

NM_016006.6(ABHD5):c.386A>G (p.Asn129Ser)

Gene: ABHD5 (abhydrolase domain containing 5, lysophosphatidic acid acyltransferase; plus strand). Cytogenetic location: 3p21.33.
Variant type: single nucleotide variant.
Coding change: c.386A>G on transcript NM_016006.6 (MANE Select); coding-DNA position 386, A replaced by G.
Protein change: p.Asn129Ser; replaces asparagine 129 with serine.
Molecular consequence: missense variant. On other transcripts: non-coding transcript variant (1).
Genome position (GRCh38, 1-based): chr3:43,702,467, A>G. VCF-style: chr3-43702467-A-G. GRCh37 (hg19) VCF-style: chr3-43743959-A-G.
Other names: c.386A>G, p.Asn129Ser (NM_001355186.2, NM_001365650.1); c.263A>G, p.Asn88Ser (NM_001365649.1); short protein forms N129S, N88S.
Identifiers: ClinVar variation 1976322 (VCV001976322.5), dbSNP rs777375929, ClinGen allele CA2341329.